The following is an entry in ClinVar:

ClinVar aggregate classification (germline): Pathogenic (1 of 4 stars; one submission).

Submission:

CeGaT Center for Human Genetics Tuebingen
Classification: Pathogenic. Last evaluated: 2025-07-01. Review status: criteria provided, single submitter. Criteria: CeGaT Center For Human Genetics Tuebingen Variant Classification Criteria Version 2. Collection method: clinical testing. Allele origin: germline. Affected: yes. Observed: 3 variant alleles.
Comment: GRN: PVS1, PM2

NM_002087.4(GRN):c.888_889del (p.Cys296fs)

Gene: GRN (granulin precursor; plus strand). Cytogenetic location: 17q21.31.
Variant type: Deletion.
Coding change: c.888_889del on transcript NM_002087.4 (MANE Select); coding-DNA positions 888 to 889, 2 bases deleted (CT; older notation c.888_889delCT).
Protein change: p.Cys296fs; shifts the reading frame from cysteine 296.
Molecular consequence: frameshift variant.
Genome position (GRCh38, 1-based): chr17:44,351,415-44,351,416, CT deleted. VCF-style (leftmost placement, unchanged base first): chr17-44351414-GCT-G. GRCh37 (hg19) VCF-style: chr17-42428782-GCT-G.
Other names: short protein forms C296fs.
Identifiers: ClinVar variation 3389822 (VCV003389822.14).